The following is an entry in ClinVar:

NM_000492.4(CFTR):c.80G>T (p.Gly27Val)

Gene: CFTR (CF transmembrane conductance regulator; plus strand). Cytogenetic location: 7q31.2.
Variant type: single nucleotide variant.
Coding change: c.80G>T on transcript NM_000492.4 (MANE Select); coding-DNA position 80, G replaced by T.
Protein change: p.Gly27Val; replaces glycine 27 with valine.
Molecular consequence: missense variant.
Genome position (GRCh38, 1-based): chr7:117,504,279, G>T. VCF-style: chr7-117504279-G-T. GRCh37 (hg19) VCF-style: chr7-117144333-G-T.
Other names: short protein forms G27V.
Identifiers: ClinVar variation 495958 (VCV000495958.1), dbSNP rs397508797, ClinGen allele CA368986987.
Genomic context (GRCh38, chr7:117,504,279, plus strand): 5'-AAGTGAATATCTGTTCCTCCTCTCTTTATTTTAGCTGGACCAGACCAATTTTGAGGAAAG[G>T]ATACAGACAGCGCCTGGAATTGTCAGACATATACCAAATCCCTTCTGTTGATTCTGCTGA-3'
Protein context (NP_000483.3, residues 17-37): FSWTRPILRK[Gly27Val]YRQRLELSDI

ClinVar aggregate classification (germline): Uncertain significance (1 of 4 stars; one submission).

Submission:

Women's Health and Genetics/Laboratory Corporation of America, LabCorp
Classification: Uncertain significance. Last evaluated: 2017-07-19. Review status: criteria provided, single submitter. Criteria: LabCorp Variant Classification Summary - May 2015. Collection method: clinical testing. Allele origin: germline.
Comment: Variant summary: The CFTR c.80G>T (p.Gly27Val) variant involves the alteration of a conserved nucleotide. 5/5 in silico tools predict a damaging outcome for this variant. The variant of interest has not been found in 120864 control chromosomes (ExAC). A publication, Zietkiewicz_2013 cites the variant in a compound heterozygote CF individual, G27V/deltaF508. Two poster abstracts, Norek_2012 and Panickar_2016, cites the variant in 3 pts (2 homozygotes and 1 single variant identified pt), but these poster abstracts need to be cautiously considered due to limited available information. However, it should be noted another variant at this location, c.80G>A (p.G27E) has been reported in a compound heterozygote individual with a mild phenotype (database: sickkids). Therefore, taking all available lines of evidence, the variant of interest has been classified as a "Variant of Uncertain Significance - Possibly Pathogenic," until additional information becomes available (ie, clinical and functional studies).

Literature cited by the submitters: PubMed 24586523.